The following is an entry in ClinVar:

NM_000447.3(PSEN2):c.1160C>T (p.Thr387Ile)

Gene: PSEN2 (presenilin 2; plus strand). Cytogenetic location: 1q42.13.
Variant type: single nucleotide variant.
Coding change: c.1160C>T on transcript NM_000447.3 (MANE Select); coding-DNA position 1160, C replaced by T.
Protein change: p.Thr387Ile; replaces threonine 387 with isoleucine.
Molecular consequence: missense variant.
Genome position (GRCh38, 1-based): chr1:226,894,094, C>T. VCF-style: chr1-226894094-C-T. GRCh37 (hg19) VCF-style: chr1-227081795-C-T.
Other names: c.1157C>T, p.Thr386Ile (NM_012486.3); short protein forms T386I, T387I.
Identifiers: ClinVar variation 1448178 (VCV001448178.7), dbSNP rs867544084, ClinGen allele CA38625419.

ClinVar aggregate classification (germline): Uncertain significance. Review status: criteria provided, multiple submitters, no conflicts (2 of 4 stars). 2 submissions from 2 submitters: Uncertain significance (2). Last evaluated 2021-10-01.

Conditions:
Alzheimer disease 4 (AD4). Identifiers: Orphanet 1020, MedGen C1847200, MONDO:0011743, OMIM 606889.

Allele frequency attached by ClinVar (database versions not stated): gnomAD exomes 0.00001; gnomAD 0.00002; TOPMed 0.00002.
gnomAD v4.1: 5 of 1,614,060 alleles (0.00031%); highest among the groups gnomAD compares: African/African-American, 0.004%; no homozygotes.

Submissions (2):

Labcorp Genetics (formerly Invitae), Labcorp
Classification: Uncertain significance for Alzheimer disease 4. Last evaluated: 2021-10-01. Review status: criteria provided, single submitter. Criteria: Invitae Variant Classification Sherloc (09022015). Collection method: clinical testing. Allele origin: germline.
Comment: This variant has not been reported in the literature in individuals affected with PSEN2-related conditions. This sequence change replaces threonine with isoleucine at codon 387 of the PSEN2 protein (p.Thr387Ile). The threonine residue is highly conserved and there is a moderate physicochemical difference between threonine and isoleucine. This variant is not present in population databases (ExAC no frequency). Algorithms developed to predict the effect of missense changes on protein structure and function are either unavailable or do not agree on the potential impact of this missense change (SIFT: "Deleterious"; PolyPhen-2: "Possibly Damaging"; Align-GVGD: "Class C15"). In summary, the available evidence is currently insufficient to determine the role of this variant in disease. Therefore, it has been classified as a Variant of Uncertain Significance.

AiLife Diagnostics
Classification: Uncertain significance. Last evaluated: 2020-09-29. Review status: criteria provided, single submitter. Criteria: ACMG Guidelines, 2015. Collection method: clinical testing. Allele origin: germline. Affected: yes. Observed: 1 variant allele.